The following is an entry in ClinVar:

ClinVar aggregate classification (germline): Conflicting classifications of pathogenicity. Review status: criteria provided, conflicting classifications (1 of 4 stars). 6 submissions from 6 submitters: Uncertain significance (1); Likely benign (5). Last evaluated 2026-08-01.

Conditions:
Hereditary cancer-predisposing syndrome. Also called: Hereditary neoplastic syndrome; Neoplastic Syndromes, Hereditary; Hereditary Cancer Syndrome; Tumor predisposition. Identifiers: Orphanet 140162, MedGen C0027672, MeSH D009386, MONDO:0015356.

Allele frequency attached by ClinVar (database versions not stated): gnomAD 0.00001; gnomAD exomes 0.00002 and 0.00003; TOPMed 0.00002; ExAC 0.00005; ESP Exome Variant Server 0.00008.
gnomAD v4.1: 33 of 1,611,986 alleles (0.002%); highest among the groups gnomAD compares: Non-Finnish European, 0.0026%; no homozygotes.

Submissions (6):

CeGaT Center for Human Genetics Tuebingen
Classification: Uncertain significance. Last evaluated: 2026-08-01. Review status: criteria provided, single submitter. Criteria: CeGaT Center For Human Genetics Tuebingen Variant Classification Criteria Version 2. Collection method: clinical testing. Allele origin: germline. Affected: yes. Observed: 1 variant allele.

Labcorp Genetics (formerly Invitae), Labcorp
Classification: Likely benign. Last evaluated: 2026-01-12. Review status: criteria provided, single submitter. Criteria: Invitae Variant Classification Sherloc (09022015). Collection method: clinical testing. Allele origin: germline.

Center for Genomic Medicine, Rigshospitalet, Copenhagen University Hospital
Classification: Likely benign. Last evaluated: 2025-03-04. Review status: criteria provided, single submitter. Criteria: ACMG Guidelines, 2015. Collection method: clinical testing. Allele origin: germline.

Ambry Genetics
Classification: Likely benign for Hereditary cancer-predisposing syndrome. Last evaluated: 2024-12-12. Review status: criteria provided, single submitter. Criteria: Ambry Variant Classification Scheme 2023. Collection method: clinical testing. Allele origin: germline.

Blueprint Genetics
Classification: Likely benign. Last evaluated: 2024-11-25. Review status: criteria provided, single submitter. Criteria: ACMG Guidelines, 2015. Collection method: clinical testing. Allele origin: germline.

GeneDx
Classification: Likely benign. Last evaluated: 2019-04-10. Review status: criteria provided, single submitter. Criteria: GeneDx Variant Classification Process June 2021. Collection method: clinical testing. Allele origin: germline. Affected: yes.
Comment: This variant is associated with the following publications: (PMID: 15285897)

Literature cited by the submitters: PubMed 15285897 (cited by Ambry Genetics).

NM_006231.4(POLE):c.5812-4A>G

Gene: POLE (DNA polymerase epsilon, catalytic subunit; minus strand). Cytogenetic location: 12q24.33.
Variant type: single nucleotide variant.
Coding change: c.5812-4A>G on transcript NM_006231.4 (MANE Select); 4 bases into the intron before coding-DNA position 5812, A replaced by G.
Molecular consequence: intron variant.
Genome position (GRCh38, 1-based): chr12:132,634,382, T>C on the plus strand (A>G on the coding strand, the complement: POLE is on the minus strand). VCF-style: chr12-132634382-T-C. GRCh37 (hg19) VCF-style: chr12-133210968-T-C.
Identifiers: ClinVar variation 413517 (VCV000413517.22), dbSNP rs377036606, ClinGen allele CA6892362.